The following is an entry in ClinVar:

ClinVar aggregate classification (germline): Uncertain significance (1 of 4 stars; one submission).

Conditions:
Myoclonic dystonia 11 (DYT11). Also called: DYT-SGCE; Myoclonic dystonia; Dystonia 11; Dystonia, alcohol responsive; Hereditary essential myoclonus; SGCE Myoclonus-Dystonia. Identifiers: Orphanet 36899, MedGen C1834570, MONDO:0008044, OMIM 159900.

Submission:

Labcorp Genetics (formerly Invitae), Labcorp
Classification: Uncertain significance for Myoclonic dystonia 11. Last evaluated: 2022-02-06. Review status: criteria provided, single submitter. Criteria: Invitae Variant Classification Sherloc (09022015). Collection method: clinical testing. Allele origin: germline.
Comment: This variant is not present in population databases (gnomAD no frequency). This sequence change falls in intron 7 of the SGCE gene. It does not directly change the encoded amino acid sequence of the SGCE protein. It affects a nucleotide within the consensus splice site. This variant has been observed in individual(s) with clinical features of primary dystonia (Invitae). In summary, the available evidence is currently insufficient to determine the role of this variant in disease. Therefore, it has been classified as a Variant of Uncertain Significance. Variants that disrupt the consensus splice site are a relatively common cause of aberrant splicing (PMID: 17576681, 9536098). Algorithms developed to predict the effect of sequence changes on RNA splicing suggest that this variant may disrupt the consensus splice site.

Literature cited by the submitters: PubMed 17576681; PubMed 9536098.

NM_003919.3(SGCE):c.1037+3del

Genes: CASD1 (CAS1 domain sialic acid O acetyltransferase 1; plus strand), SGCE (sarcoglycan epsilon; minus strand). Cytogenetic location: 7q21.3.
Variant type: Deletion.
Coding change: c.1037+3del on transcript NM_003919.3 (MANE Select); 3 bases into the intron after coding-DNA position 1037, one base deleted (G; older notation c.1037+3delG).
Molecular consequence: intron variant.
Genome position (GRCh38, 1-based): chr7:94,600,643, C deleted on the plus strand (G on the coding strand, the reverse complement: SGCE is on the minus strand). VCF-style (leftmost placement, unchanged base first): chr7-94600642-TC-T. GRCh37 (hg19) VCF-style: chr7-94229954-TC-T.
Other names: c.914+3del (NM_001362809.2, NM_001301139.2); c.1037+3del (NM_001346717.2, NM_001099400.2, NM_001099401.2); c.1145+3del (NM_001346715.2, NM_001346713.2); c.950+3del (NM_001362807.2, NM_001346719.2); c.764+3del (NM_001362808.2, NM_001346720.2).
Identifiers: ClinVar variation 2064583 (VCV002064583.4), dbSNP rs2484941766, ClinGen allele CA2580077890.
Genomic context (GRCh38, chr7:94,600,642, plus strand): 5'-GGAATCTTCTATGTTGTTATCTTAGCAGGATCTCTAATTATCTTATTAGTTTTAAAGTAC[TC>T]ACACGCCTTCCCGTCGGCAGCACATGATATAAGCAAGTATTAGAAAAAGGACCAGTGCCA-3'